The following is an entry in ClinVar:

NM_003482.4(KMT2D):c.3033G>A (p.Pro1011=)

Gene: KMT2D (lysine methyltransferase 2D; minus strand). Cytogenetic location: 12q13.12.
Variant type: single nucleotide variant.
Coding change: c.3033G>A on transcript NM_003482.4 (MANE Select); coding-DNA position 3033, G replaced by A.
Protein change: p.Pro1011=; no amino-acid change (proline 1011 retained).
Molecular consequence: synonymous variant.
Genome position (GRCh38, 1-based): chr12:49,050,555, C>T on the plus strand (G>A on the coding strand, the complement: KMT2D is on the minus strand). VCF-style: chr12-49050555-C-T. GRCh37 (hg19) VCF-style: chr12-49444338-C-T.
Identifiers: ClinVar variation 2184278 (VCV002184278.8), dbSNP rs373881433, ClinGen allele CA6548132.
Genomic context (GRCh38, chr12:49,050,555, plus strand): 5'-GGAATGCTGAAGGAGTGGCGAACACTGAGGAGGAAGGGGCTCCATCAGGATGGGAGAAGC[C>T]GGCCCCACTGGGGAGCCTGGAGATGGGGGAAGGATCATAGGGGGGACAGGCTCAGGGTCA-3'
Protein context (NP_003473.3, residues 1001-1021): LPPSPGSPVG[Pro1011=]ASPILMEPLP

ClinVar aggregate classification (germline): Benign/Likely benign. Review status: criteria provided, multiple submitters, no conflicts (2 of 4 stars). 4 submissions from 4 submitters: Benign (1); Likely benign (2). 1 of the submissions does not count toward it. Last evaluated 2026-07-01.

Conditions:
Kabuki syndrome. Also called: NIIKAWA-KUROKI SYNDROME; Kabuki make-up syndrome. Identifiers: Orphanet 2322, MedGen C0796004, MONDO:0016512.
KMT2D-related disorder. Also called: KMT2D-Related Disorders.

Allele frequency attached by ClinVar (database versions not stated): gnomAD exomes 0.00003; ExAC 0.00006; gnomAD 0.00007; TOPMed 0.00009; ESP Exome Variant Server 0.00016.
gnomAD v4.1: 54 of 1,603,776 alleles (0.0034%); highest among the groups gnomAD compares: African/African-American, 0.016%; no homozygotes.

Submissions (4):

CeGaT Center for Human Genetics Tuebingen
Classification: Likely benign. Last evaluated: 2026-07-01. Review status: criteria provided, single submitter. Criteria: CeGaT Center For Human Genetics Tuebingen Variant Classification Criteria Version 2. Collection method: clinical testing. Allele origin: germline. Affected: yes. Observed: 1 variant allele.
Comment: KMT2D: BP4, BP7

Labcorp Genetics (formerly Invitae), Labcorp
Classification: Benign for Kabuki syndrome. Last evaluated: 2025-07-10. Review status: criteria provided, single submitter. Criteria: Invitae Variant Classification Sherloc (09022015). Collection method: clinical testing. Allele origin: germline.

Blueprint Genetics
Classification: Likely benign. Last evaluated: 2024-09-10. Review status: criteria provided, single submitter. Criteria: ACMG Guidelines, 2015. Collection method: clinical testing. Allele origin: germline.

PreventionGenetics, part of Exact Sciences
Classification: Likely benign for KMT2D-related condition. Last evaluated: 2022-05-25. Review status: no assertion criteria provided. Collection method: clinical testing. Allele origin: germline. Not counted in ClinVar's aggregate classification.
Comment: This variant is classified as likely benign based on ACMG/AMP sequence variant interpretation guidelines (Richards et al. 2015 PMID: 25741868, with internal and published modifications).